The following is an entry in ClinVar:

NM_001191061.2(SLC25A22):c.293+2del

Gene: SLC25A22 (solute carrier family 25 member 22; minus strand). Cytogenetic location: 11p15.5.
Variant type: Deletion.
Coding change: c.293+2del on transcript NM_001191061.2 (MANE Select); the canonical splice donor site of the intron after coding-DNA position 293, one base deleted (T; older notation c.293+2delT).
Molecular consequence: splice donor variant.
Genome position (GRCh38, 1-based): chr11:793,527, A deleted on the plus strand (T on the coding strand, the reverse complement: SLC25A22 is on the minus strand). VCF-style (leftmost placement, unchanged base first): chr11-793526-CA-C. GRCh37 (hg19) VCF-style: chr11-793526-CA-C.
Other names: c.293+2del (NM_001425339.1, NM_001425343.1, NM_001425342.1 and 6 more transcripts); c.281+2del (NM_001425341.1); c.290+2del (NM_001425340.1); c.-26+2del (NM_001425344.1); c.368+2del (NM_001425334.1).
Identifiers: ClinVar variation 4854452 (VCV004854452.1).

ClinVar aggregate classification (germline): Pathogenic (1 of 4 stars; one submission).

Conditions:
Developmental and epileptic encephalopathy, 3 (DEE3). Also called: Epileptic encephalopathy, early infantile, 3. Identifiers: MedGen C5574665, MONDO:0012245, OMIM 609304.

Submission:

3billion
Classification: Pathogenic for Developmental and epileptic encephalopathy, 3. Last evaluated: 2026-01-13. Review status: criteria provided, single submitter. Criteria: ACMG Guidelines, 2015. Collection method: clinical testing. Allele origin: germline. Affected: yes.
Comment: The variant is not observed in the gnomAD v4.1.0 dataset. Predicted Consequence/Location: Canonical splice site: predicted to alter splicing and result in a loss or disruption of normal protein function. Multiple pathogenic loss-of-function variants are reported downstream of the variant. In silico tools predict the variant to alter splicing and produce an abnormal transcript [SpliceAI: 0.99 (spliceogenicity >=0.2, non-spliceogenicity <0.1)]. The variant has been reported to be associated with SLC25A22-related disorder (PMID: 38221827). Therefore, this variant is classified as Pathogenic according to the recommendation of ACMG/AMP guideline.

Literature cited by the submitters: PubMed 38221827.